The following is an entry in ClinVar:

NC_000006.11:g.(?_45405664)_(45480164_?)del

Gene: RUNX2 (RUNX family transcription factor 2; plus strand). Cytogenetic location: 6p21.1.
Variant type: Deletion.
Identifiers: ClinVar variation 1455210 (VCV001455210.4).

ClinVar aggregate classification (germline): Pathogenic (1 of 4 stars; one submission).

Submission:

Labcorp Genetics (formerly Invitae), Labcorp
Classification: Pathogenic. Last evaluated: 2021-10-03. Review status: criteria provided, single submitter. Criteria: Invitae Variant Classification Sherloc (09022015). Collection method: clinical testing. Allele origin: germline.
Comment: This variant disrupts a region of the RUNX2 protein in which other variant(s) (p.Lys218Glu) have been determined to be pathogenic (PMID: 20648631, 31347140). This suggests that this is a clinically significant region of the protein, and that variants that disrupt it are likely to be disease-causing. This variant has not been reported in the literature in individuals affected with RUNX2-related conditions. This variant is a gross deletion of the genomic region encompassing exon(s) 5-7 of the RUNX2 gene. This variant would be expected to be in-frame, preserving the integrity of the reading frame. For these reasons, this variant has been classified as Pathogenic.

Literature cited by the submitters: PubMed 20648631; PubMed 31347140.